The following is an entry in ClinVar:

NM_000487.6(ARSA):c.739G>C (p.Gly247Arg)

Gene: ARSA (arylsulfatase A; minus strand). Cytogenetic location: 22q13.33.
Variant type: single nucleotide variant.
Coding change: c.739G>C on transcript NM_000487.6 (MANE Select); coding-DNA position 739, G replaced by C.
Protein change: p.Gly247Arg; replaces glycine 247 with arginine.
Molecular consequence: missense variant.
Genome position (GRCh38, 1-based): chr22:50,626,706, C>G on the plus strand (G>C on the coding strand, the complement: ARSA is on the minus strand). VCF-style: chr22-50626706-C-G. GRCh37 (hg19) VCF-style: chr22-51065134-C-G.
Other names: c.739G>C, p.Gly247Arg (NM_001085425.3, NM_001085426.3, NM_001085427.3); c.481G>C, p.Gly161Arg (NM_001085428.3, NM_001362782.2); short protein forms G161R, G247R.
Identifiers: ClinVar variation 4854174 (VCV004854174.1).

ClinVar aggregate classification (germline): Likely pathogenic (1 of 4 stars; one submission).

Conditions:
Metachromatic leukodystrophy (MLD). Also called: Cerebral sclerosis diffuse metachromatic form; CEREBROSIDE SULFATASE DEFICIENCY; Arylsulfatase A Deficiency; METACHROMATIC LEUKOENCEPHALOPATHY; SULFATIDE LIPIDOSIS; ARSA DEFICIENCY. Identifiers: Orphanet 512, MedGen C0023522, MONDO:0018868, OMIM 250100.

Submission:

3billion
Classification: Likely pathogenic for Metachromatic leukodystrophy. Last evaluated: 2025-08-04. Review status: criteria provided, single submitter. Criteria: ACMG Guidelines, 2015. Collection method: clinical testing. Allele origin: germline. Affected: yes.
Comment: The variant is not observed in the gnomAD v4.1.0 dataset. Predicted Consequence/Location: Missense variant In silico tool predictions suggest damaging effect of the variant on gene or gene product [REVEL: 0.86 (>=0.6, sensitivity 0.68 and specificity 0.92); 3Cnet: 0.99 (> 0.75, sensitivity 0.96 and precision 0.92)]. The different nucleotide change resulting in the same amino acid change has been previously reported as pathogenic/likely pathogenic with strong evidence (ClinVar ID: VCV000003074 /PMID: 8101083). A different missense change at the same codon (p.Gly247Glu) has been reported to be associated with ARSA-related disorder (PMID: 27779215). Therefore, this variant is classified as Likely pathogenic according to the recommendation of ACMG/AMP guideline.

Literature cited by the submitters: PubMed 27779215; PubMed 8101083.